The following is an entry in ClinVar:

NM_001020658.2(PUM1):c.986A>G (p.Asn329Ser)

Gene: PUM1 (pumilio RNA binding family member 1; minus strand). Cytogenetic location: 1p35.2.
Variant type: single nucleotide variant.
Coding change: c.986A>G on transcript NM_001020658.2 (MANE Select); coding-DNA position 986, A replaced by G.
Protein change: p.Asn329Ser; replaces asparagine 329 with serine.
Molecular consequence: missense variant.
Genome position (GRCh38, 1-based): chr1:30,992,562, T>C on the plus strand (A>G on the coding strand, the complement: PUM1 is on the minus strand). VCF-style: chr1-30992562-T-C. GRCh37 (hg19) VCF-style: chr1-31465409-T-C.
Other names: c.986A>G, p.Asn329Ser (NM_014676.3); short protein forms N329S.
Identifiers: ClinVar variation 1304814 (VCV001304814.2), dbSNP rs761672816, ClinGen allele CA729318.

ClinVar aggregate classification (germline): Uncertain significance (1 of 4 stars; one submission).

Allele frequency attached by ClinVar (database versions not stated): gnomAD exomes 0.00001 and 0.00004; ExAC 0.00002.
gnomAD v4.1: 18 of 1,614,210 alleles (0.0011%); highest among the groups gnomAD compares: Admixed American, 0.015%; no homozygotes.

Submission:

GeneDx
Classification: Uncertain significance. Last evaluated: 2019-07-18. Review status: criteria provided, single submitter. Criteria: GeneDx Variant Classification Process June 2021. Collection method: clinical testing. Allele origin: germline. Affected: yes.
Comment: In silico analysis, which includes protein predictors and evolutionary conservation, supports that this variant does not alter protein structure/function; Has not been previously published as pathogenic or benign to our knowledge